The following is an entry in ClinVar:

NM_000138.5(FBN1):c.1996A>G (p.Lys666Glu)

Gene: FBN1 (fibrillin 1; minus strand). Cytogenetic location: 15q21.1.
Variant type: single nucleotide variant.
Coding change: c.1996A>G on transcript NM_000138.5 (MANE Select); coding-DNA position 1996, A replaced by G.
Protein change: p.Lys666Glu; replaces lysine 666 with glutamic acid.
Molecular consequence: missense variant.
Genome position (GRCh38, 1-based): chr15:48,503,904, T>C on the plus strand (A>G on the coding strand, the complement: FBN1 is on the minus strand). VCF-style: chr15-48503904-T-C. GRCh37 (hg19) VCF-style: chr15-48796101-T-C.
Other names: c.1996A>G, p.Lys666Glu (NM_001406716.1); short protein forms K666E.
Identifiers: ClinVar variation 3758152 (VCV003758152.3).

ClinVar aggregate classification (germline): Uncertain significance. Review status: criteria provided, multiple submitters, no conflicts (2 of 4 stars). 2 submissions from 2 submitters: Uncertain significance (2). Last evaluated 2025-07-21.

Conditions:
Familial thoracic aortic aneurysm and aortic dissection (TAAD). Also called: Thoracic aortic aneurysms and dissections. Identifiers: Orphanet 91387, MedGen C4707243, MONDO:0019625.
Marfan syndrome (MFS). Also called: MARFAN SYNDROME, TYPE I; Marfan syndrome type 1; Marfan's syndrome; Marfan syndrome, classic; FBN1-Related Marfan Syndrome. Identifiers: Orphanet 284963, Orphanet 558, MedGen C0024796, MONDO:0007947, OMIM 154700.

Submissions (2):

Ambry Genetics
Classification: Uncertain significance for Familial thoracic aortic aneurysm and aortic dissection. Last evaluated: 2025-07-21. Review status: criteria provided, single submitter. Criteria: Ambry Variant Classification Scheme 2023. Collection method: clinical testing. Allele origin: germline.
Comment: The p.K666E variant (also known as c.1996A>G), located in coding exon 16 of the FBN1 gene, results from an A to G substitution at nucleotide position 1996. The lysine at codon 666 is replaced by glutamic acid, an amino acid with similar properties. This amino acid position is not well conserved in available vertebrate species. In addition, the in silico prediction for this alteration is inconclusive. Based on the available evidence, the clinical significance of this variant remains unclear.

Labcorp Genetics (formerly Invitae), Labcorp
Classification: Uncertain significance for Marfan syndrome; Familial thoracic aortic aneurysm and aortic dissection. Last evaluated: 2024-08-22. Review status: criteria provided, single submitter. Criteria: Invitae Variant Classification Sherloc (09022015). Collection method: clinical testing. Allele origin: germline.
Comment: This sequence change replaces lysine, which is basic and polar, with glutamic acid, which is acidic and polar, at codon 666 of the FBN1 protein (p.Lys666Glu). This variant is not present in population databases (gnomAD no frequency). This variant has not been reported in the literature in individuals affected with FBN1-related conditions. Invitae Evidence Modeling of protein sequence and biophysical properties (such as structural, functional, and spatial information, amino acid conservation, physicochemical variation, residue mobility, and thermodynamic stability) indicates that this missense variant is not expected to disrupt FBN1 protein function with a negative predictive value of 95%. In summary, the available evidence is currently insufficient to determine the role of this variant in disease. Therefore, it has been classified as a Variant of Uncertain Significance.